The following is an entry in ClinVar:

NM_130466.4(UBE3B):c.1018C>T (p.Gln340Ter)

Gene: UBE3B (ubiquitin protein ligase E3B; plus strand). Cytogenetic location: 12q24.11.
Variant type: single nucleotide variant.
Coding change: c.1018C>T on transcript NM_130466.4 (MANE Select); coding-DNA position 1018, C replaced by T.
Protein change: p.Gln340Ter; replaces glutamine 340 with a stop codon.
Molecular consequence: nonsense.
Genome position (GRCh38, 1-based): chr12:109,499,710, C>T. VCF-style: chr12-109499710-C-T. GRCh37 (hg19) VCF-style: chr12-109937515-C-T.
Other names: c.1018C>T, p.Gln340Ter (NM_183415.3); short protein forms Q340*.
Identifiers: ClinVar variation 3650092 (VCV003650092.2).

ClinVar aggregate classification (germline): Pathogenic (1 of 4 stars; one submission).

Submission:

Labcorp Genetics (formerly Invitae), Labcorp
Classification: Pathogenic. Last evaluated: 2024-04-16. Review status: criteria provided, single submitter. Criteria: Invitae Variant Classification Sherloc (09022015). Collection method: clinical testing. Allele origin: germline.
Comment: This sequence change creates a premature translational stop signal (p.Gln340*) in the UBE3B gene. It is expected to result in an absent or disrupted protein product. Loss-of-function variants in UBE3B are known to be pathogenic (PMID: 23687348, 24615390). This variant is not present in population databases (gnomAD no frequency). This variant has not been reported in the literature in individuals affected with UBE3B-related conditions. For these reasons, this variant has been classified as Pathogenic.

Literature cited by the submitters: PubMed 23687348; PubMed 24615390.